The following is an entry in ClinVar:

ClinVar aggregate classification (germline): Uncertain significance (1 of 4 stars; one submission).

Conditions:
Hereditary cancer-predisposing syndrome. Also called: Neoplastic Syndromes, Hereditary; Tumor predisposition; Hereditary Cancer Syndrome; Hereditary neoplastic syndrome. Identifiers: Orphanet 140162, MedGen C0027672, MeSH D009386, MONDO:0015356.

Submission:

Ambry Genetics
Classification: Uncertain significance for Hereditary cancer-predisposing syndrome. Last evaluated: 2026-03-30. Review status: criteria provided, single submitter. Criteria: Ambry Variant Classification Scheme 2023. Collection method: clinical testing. Allele origin: germline.
Comment: The p.V1224M variant (also known as c.3670G>A), located in coding exon 25 of the SMARCA4 gene, results from a G to A substitution at nucleotide position 3670. The valine at codon 1224 is replaced by methionine, an amino acid with highly similar properties. This amino acid position is conserved. In addition, this alteration is predicted to be deleterious by in silico analysis. Based on the available evidence, the clinical significance of this variant remains unclear.

NM_003072.5(SMARCA4):c.3670G>A (p.Val1224Met)

Gene: SMARCA4 (SWI/SNF related BAF chromatin remodeling complex subunit ATPase 4; plus strand). Cytogenetic location: 19p13.2.
Variant type: single nucleotide variant.
Coding change: c.3670G>A on transcript NM_003072.5 (MANE Select); coding-DNA position 3670, G replaced by A.
Protein change: p.Val1224Met; replaces valine 1224 with methionine.
Molecular consequence: missense variant. On other transcripts: non-coding transcript variant (1).
Genome position (GRCh38, 1-based): chr19:11,033,413, G>A. VCF-style: chr19-11033413-G-A. GRCh37 (hg19) VCF-style: chr19-11144089-G-A.
Other names: c.3670G>A, p.Val1224Met (NM_001128844.3, NM_001128845.2, NM_001128846.2 and 6 more transcripts); short protein forms V1224M.
Identifiers: ClinVar variation 4864739 (VCV004864739.1).